The following is an entry in ClinVar:

ClinVar aggregate classification (germline): Pathogenic. Review status: reviewed by expert panel (3 of 4 stars). 2 submissions from 2 submitters: Pathogenic (1). 1 of the submissions does not count toward it. Last evaluated 2017-12-15.

Conditions:
Breast-ovarian cancer, familial, susceptibility to, 2 (BROVCA2). Also called: BRCA2 Hereditary Breast and Ovarian Cancer. Identifiers: Orphanet 145, MedGen C2675520, MONDO:0012933, OMIM 612555. Disease mechanism: loss of function.
Familial cancer of breast. Also called: BREAST CANCER, FAMILIAL; Hereditary breast cancer; hereditary breast carcinoma. Identifiers: Orphanet 227535, MedGen C0346153, MONDO:0016419, OMIM 114480. Disease mechanism: loss of function.

Submissions (2):

Evidence-based Network for the Interpretation of Germline Mutant Alleles (ENIGMA)
Classification: Pathogenic for Breast-ovarian cancer, familial, susceptibility to, 2. Last evaluated: 2017-12-15. Review status: reviewed by expert panel. Criteria: ENIGMA BRCA1/2 Classification Criteria (2017-06-29). Collection method: curation. Allele origin: germline. Study: ENIGMA.
Comment: Variant allele predicted to encode a truncated non-functional protein.

ClinVar Staff, National Center for Biotechnology Information (NCBI)
No classification provided. Condition: Familial cancer of breast. Review status: no classification provided. Collection method: literature only. Allele origin: germline. Affected: yes. Not counted in ClinVar's aggregate classification.

Literature cited by the submitters: PubMed 22762150 (cited by ClinVar Staff, National Center for Biotechnology Information (NCBI)).

NM_000059.4(BRCA2):c.3366_3367del (p.Gln1124fs)

Gene: BRCA2 (BRCA2 DNA repair associated; plus strand). Cytogenetic location: 13q13.1.
Variant type: Deletion.
Coding change: c.3366_3367del on transcript NM_000059.4 (MANE Select); coding-DNA positions 3366 to 3367, 2 bases deleted (AA; older notation c.3366_3367delAA).
Protein change: p.Gln1124fs; shifts the reading frame from glutamine 1124.
Molecular consequence: frameshift variant.
Genome position (GRCh38, 1-based): chr13:32,337,721-32,337,722, AA deleted. VCF-style (leftmost placement, unchanged base first): chr13-32337720-GAA-G. GRCh37 (hg19) VCF-style: chr13-32911857-GAA-G.
Other names: c.3366_3367delAA (NM_000059.3); short protein forms Q1124fs.
Identifiers: ClinVar variation 51454 (VCV000051454.3), dbSNP rs397507665, ClinGen allele CA017878.